The following is an entry in ClinVar:

ClinVar aggregate classification (germline): Likely pathogenic. Review status: criteria provided, multiple submitters, no conflicts (2 of 4 stars). 2 submissions from 2 submitters: Likely pathogenic (2). Last evaluated 2026-06-09.

Conditions:
Hereditary cancer-predisposing syndrome. Also called: Neoplastic Syndromes, Hereditary; Tumor predisposition; Hereditary Cancer Syndrome; Hereditary neoplastic syndrome. Identifiers: Orphanet 140162, MedGen C0027672, MeSH D009386, MONDO:0015356.

Submissions (2):

Ambry Genetics
Classification: Likely pathogenic for Hereditary cancer-predisposing syndrome. Last evaluated: 2026-06-09. Review status: criteria provided, single submitter. Criteria: Ambry Variant Classification Scheme 2023. Collection method: clinical testing. Allele origin: germline.
Comment: The p.S773C variant (also known as c.2317A>T), located in coding exon 16 of the MSH3 gene, results from an A to T substitution at nucleotide position 2317. The serine at codon 773 is replaced by cysteine, an amino acid with dissimilar properties. This variant is considered to be rare based on population cohorts in the Genome Aggregation Database (gnomAD). This nucleotide position is highly conserved in available vertebrate species. In silico splice site analysis predicts that this alteration will weaken the native splice donor site. RNA studies have demonstrated that this variant results in abnormal splicing in the set of samples tested (Ambry internal data). Based on the majority of available evidence to date, this variant is likely to be pathogenic.

Labcorp Genetics (formerly Invitae), Labcorp
Classification: Likely pathogenic. Last evaluated: 2024-09-29. Review status: criteria provided, single submitter. Criteria: Invitae Variant Classification Sherloc (09022015). Collection method: clinical testing. Allele origin: germline.
Comment: This sequence change replaces serine, which is neutral and polar, with cysteine, which is neutral and slightly polar, at codon 773 of the MSH3 protein (p.Ser773Cys). RNA analysis indicates that this missense change induces altered splicing and may result in an absent or altered protein product. This variant is not present in population databases (gnomAD no frequency). This variant has not been reported in the literature in individuals affected with MSH3-related conditions. ClinVar contains an entry for this variant (Variation ID: 1357473). An algorithm developed to predict the effect of missense changes on protein structure and function (PolyPhen-2) suggests that this variant is likely to be disruptive. Studies have shown that this missense change results in skipping of exon 16, and produces a non-functional protein and/or introduces a premature termination codon (internal data). In summary, the currently available evidence indicates that the variant is pathogenic, but additional data are needed to prove that conclusively. Therefore, this variant has been classified as Likely Pathogenic.

NM_002439.5(MSH3):c.2317A>T (p.Ser773Cys)

Gene: MSH3 (mutS homolog 3; plus strand). Cytogenetic location: 5q14.1.
Variant type: single nucleotide variant.
Coding change: c.2317A>T on transcript NM_002439.5 (MANE Select); coding-DNA position 2317, A replaced by T.
Protein change: p.Ser773Cys; replaces serine 773 with cysteine.
Molecular consequence: missense variant.
Genome position (GRCh38, 1-based): chr5:80,775,757, A>T. VCF-style: chr5-80775757-A-T. GRCh37 (hg19) VCF-style: chr5-80071576-A-T.
Other names: short protein forms S773C.
Identifiers: ClinVar variation 1357473 (VCV001357473.11), dbSNP rs2112890224, ClinGen allele CA360281030.